The following is an entry in ClinVar:

ClinVar aggregate classification (germline): Likely benign. Review status: criteria provided, multiple submitters, no conflicts (2 of 4 stars). 2 submissions from 2 submitters: Likely benign (2). Last evaluated 2025-12-01.

Allele frequency attached by ClinVar (database versions not stated): gnomAD exomes 0.00007; ESP Exome Variant Server 0.00008; ExAC 0.00012; TOPMed 0.00014; gnomAD 0.00015 and 0.00016.
gnomAD v4.1: 187 of 1,598,660 alleles (0.012%); highest among the groups gnomAD compares: African/African-American, 0.03%; no homozygotes.

Submissions (2):

Labcorp Genetics (formerly Invitae), Labcorp
Classification: Likely benign. Last evaluated: 2025-12-01. Review status: criteria provided, single submitter. Criteria: Invitae Variant Classification Sherloc (09022015). Collection method: clinical testing. Allele origin: germline.

CeGaT Center for Human Genetics Tuebingen
Classification: Likely benign. Last evaluated: 2024-05-01. Review status: criteria provided, single submitter. Criteria: CeGaT Center For Human Genetics Tuebingen Variant Classification Criteria Version 2. Collection method: clinical testing. Allele origin: germline. Affected: yes. Observed: 2 variant alleles.
Comment: CACNA1B: BP4, BP7

NM_000718.4(CACNA1B):c.6033C>T (p.Pro2011=)

Gene: CACNA1B (calcium voltage-gated channel subunit alpha1 B; plus strand). Cytogenetic location: 9q34.3.
Variant type: single nucleotide variant.
Coding change: c.6033C>T on transcript NM_000718.4 (MANE Select); coding-DNA position 6033, C replaced by T.
Protein change: p.Pro2011=; no amino-acid change (proline 2011 retained).
Molecular consequence: synonymous variant.
Genome position (GRCh38, 1-based): chr9:138,120,167, C>T. VCF-style: chr9-138120167-C-T. GRCh37 (hg19) VCF-style: chr9-141014619-C-T.
Other names: c.6033C>T, p.Pro2011= (NM_001243812.2).
Identifiers: ClinVar variation 764827 (VCV000764827.35), dbSNP rs199504518, ClinGen allele CA5377591.